The following is an entry in ClinVar:

NM_152383.5(DIS3L2):c.320A>G (p.Asn107Ser)

Gene: DIS3L2 (DIS3 like 3'-5' exoribonuclease 2; plus strand). Cytogenetic location: 2q37.1.
Variant type: single nucleotide variant.
Coding change: c.320A>G on transcript NM_152383.5 (MANE Select); coding-DNA position 320, A replaced by G.
Protein change: p.Asn107Ser; replaces asparagine 107 with serine.
Molecular consequence: missense variant. On other transcripts: non-coding transcript variant (2).
Genome position (GRCh38, 1-based): chr2:232,030,034, A>G. VCF-style: chr2-232030034-A-G. GRCh37 (hg19) VCF-style: chr2-232894744-A-G.
Other names: c.320A>G, p.Asn107Ser (NM_001257281.2, NM_001257282.2); short protein forms N107S.
Identifiers: ClinVar variation 998653 (VCV000998653.8), dbSNP rs767829247, ClinGen allele CA2163794.

ClinVar aggregate classification (germline): Uncertain significance (1 of 4 stars; one submission).

Conditions:
Perlman syndrome (PRLMNS). Identifiers: Orphanet 2849, MedGen C0796113, MONDO:0009965, OMIM 267000.

Allele frequency attached by ClinVar (database versions not stated): gnomAD exomes below 0.00001; ExAC 0.00001; TOPMed 0.00001; gnomAD 0.00003.
gnomAD v4.1: 6 of 1,610,576 alleles (0.00037%); highest among the groups gnomAD compares: African/African-American, 0.0067%; no homozygotes.

Submission:

Labcorp Genetics (formerly Invitae), Labcorp
Classification: Uncertain significance for Perlman syndrome. Last evaluated: 2025-08-04. Review status: criteria provided, single submitter. Criteria: Invitae Variant Classification Sherloc (09022015). Collection method: clinical testing. Allele origin: germline.
Comment: This sequence change replaces asparagine, which is neutral and polar, with serine, which is neutral and polar, at codon 107 of the DIS3L2 protein (p.Asn107Ser). The frequency data for this variant in the population databases is considered unreliable, as metrics indicate poor data quality at this position in the gnomAD database. This variant has not been reported in the literature in individuals affected with DIS3L2-related conditions. ClinVar contains an entry for this variant (Variation ID: 998653). Invitae Evidence Modeling of protein sequence and biophysical properties (such as structural, functional, and spatial information, amino acid conservation, physicochemical variation, residue mobility, and thermodynamic stability) indicates that this missense variant is not expected to disrupt DIS3L2 protein function with a negative predictive value of 80%. In summary, the available evidence is currently insufficient to determine the role of this variant in disease. Therefore, it has been classified as a Variant of Uncertain Significance.